The following is an entry in ClinVar:

NM_000359.3(TGM1):c.1570G>A (p.Gly524Ser)

Gene: TGM1 (transglutaminase 1; minus strand). Cytogenetic location: 14q12.
Variant type: single nucleotide variant.
Coding change: c.1570G>A on transcript NM_000359.3 (MANE Select); coding-DNA position 1570, G replaced by A.
Protein change: p.Gly524Ser; replaces glycine 524 with serine.
Molecular consequence: missense variant.
Genome position (GRCh38, 1-based): chr14:24,255,439, C>T on the plus strand (G>A on the coding strand, the complement: TGM1 is on the minus strand). VCF-style: chr14-24255439-C-T. GRCh37 (hg19) VCF-style: chr14-24724645-C-T.
Other names: short protein forms G524S.
Identifiers: ClinVar variation 552650 (VCV000552650.9), dbSNP rs765914927, ClinGen allele CA7131048.

ClinVar aggregate classification (germline): Pathogenic. Review status: criteria provided, single submitter (1 of 4 stars). 2 submissions from 2 submitters: Pathogenic (1). 1 of the submissions does not count toward it. Last evaluated 2024-01-28.

Conditions:
Autosomal recessive congenital ichthyosis 1 (LI1). Also called: ICHTHYOSIS, CONGENITAL, AUTOSOMAL RECESSIVE 1, WITH BATHING SUIT DISTRIBUTION; ICHTHYOSIS, CONGENITAL, AUTOSOMAL RECESSIVE 1, WITH OR WITHOUT BATHING SUIT DISTRIBUTION; COLLODION FETUS; DESQUAMATION OF NEWBORN; ICHTHYOSIS CONGENITA; ICHTHYOSIS CONGENITA II. Identifiers: MedGen C4551630, MONDO:0009441, OMIM 242300.

Allele frequency attached by ClinVar (database versions not stated): gnomAD exomes below 0.00001; TOPMed below 0.00001; ExAC 0.00001.
gnomAD v4.1: 2 of 1,614,088 alleles (0.00012%); highest among the groups gnomAD compares: Non-Finnish European, 0.000085%; no homozygotes.

Submissions (2):

Labcorp Genetics (formerly Invitae), Labcorp
Classification: Pathogenic. Last evaluated: 2024-01-28. Review status: criteria provided, single submitter. Criteria: Invitae Variant Classification Sherloc (09022015). Collection method: clinical testing. Allele origin: germline.
Comment: This sequence change replaces glycine, which is neutral and non-polar, with serine, which is neutral and polar, at codon 524 of the TGM1 protein (p.Gly524Ser). This variant is present in population databases (rs765914927, gnomAD 0.004%). This missense change has been observed in individual(s) with autosomal recessive congenital ichthyosis (PMID: 22801880, 28747283). In at least one individual the data is consistent with being in trans (on the opposite chromosome) from a pathogenic variant. ClinVar contains an entry for this variant (Variation ID: 552650). Advanced modeling of protein sequence and biophysical properties (such as structural, functional, and spatial information, amino acid conservation, physicochemical variation, residue mobility, and thermodynamic stability) performed at Invitae indicates that this missense variant is expected to disrupt TGM1 protein function with a positive predictive value of 95%. For these reasons, this variant has been classified as Pathogenic.

Counsyl
Classification: Uncertain significance for Autosomal recessive congenital ichthyosis 1. Last evaluated: 2017-07-05. Review status: no assertion criteria provided. Collection method: clinical testing. Allele origin: unknown. Not counted in ClinVar's aggregate classification.

Literature cited by the submitters: PubMed 22801880 (cited by Labcorp Genetics (formerly Invitae), Labcorp and Counsyl); PubMed 28747283 (cited by Labcorp Genetics (formerly Invitae), Labcorp).